The following continues an entry in ClinVar:

NC_012920.1(MT-ATP6):m.9185T>C

Gene: MT-ATP6. ClinVar aggregate classification (germline): Pathogenic. Pathogenic (1).

Submissions 12 to 22 of 22:

MGZ Medical Genetics Center
Classification: Pathogenic for Mitochondrial complex 5 (ATP synthase) deficiency, mitochondrial type 1. Last evaluated: 2022-06-14. Review status: criteria provided, single submitter. Criteria: ACMG Guidelines, 2015. Collection method: clinical testing. Allele origin: germline. Affected: yes. Observed: 2 variant alleles. Not counted in ClinVar's aggregate classification.
Comment: ACMG criteria applied: PS4, PS3_MOD, PP1_MOD, PM2_SUP, PP3

Mendelics
Classification: Pathogenic for Leber optic atrophy. Last evaluated: 2022-05-04. Review status: criteria provided, single submitter. Criteria: Mendelics Assertion Criteria 2019. Collection method: clinical testing. Allele origin: germline. Not counted in ClinVar's aggregate classification.

Institute of Medical Genetics and Applied Genomics, University Hospital Tübingen
Classification: Pathogenic. Last evaluated: 2020-10-23. Review status: criteria provided, single submitter. Criteria: ACMG Guidelines, 2015. Collection method: clinical testing. Allele origin: germline. Inheritance: Mitochondrial inheritance. Affected: yes. Not counted in ClinVar's aggregate classification.

Wong Mito Lab, Molecular and Human Genetics, Baylor College of Medicine
Classification: Pathogenic for Leigh syndrome. Last evaluated: 2019-10-17. Review status: criteria provided, single submitter. Criteria: Modified ACMG Guidelines (Unpublished). Collection method: clinical testing. Allele origin: germline. Not counted in ClinVar's aggregate classification.
Comment: The NC_012920.1:m.9185T>C (YP_003024031.1:p.Leu220Pro) variant in MTATP6 gene is interpretated to be a Pathogenic variant based on the modified ACMG guidelines (unpublished). This variant meets the following evidence codes: PS1, PM9, PM10, PP3, PP4

Centre for Mendelian Genomics, University Medical Centre Ljubljana
Classification: Uncertain significance. Last evaluated: 2016-01-01. Review status: criteria provided, single submitter. Criteria: ACMG Guidelines, 2015. Collection method: clinical testing. Allele origin: unknown. Affected: yes. Not counted in ClinVar's aggregate classification.
Comment: This variant was classified as: Uncertain significance. The following ACMG criteria were applied in classifying this variant: PS1,PP3. This variant was detected in mitochondrial heteroplasmy state.

Solve-RD Consortium
Classification: Likely pathogenic for NARP syndrome. Last evaluated: 2022-06-01. Review status: no assertion criteria provided. Collection method: provider interpretation. Allele origin: maternal. Affected: yes. Observed: 3 variant alleles. Not counted in ClinVar's aggregate classification.
Comment: Variant confirmed as disease-causing by referring clinical team

Variant identified during reanalysis of unsolved cases by the Solve-RD project. The Solve-RD project has received funding from the European Union’s Horizon 2020 research and innovation programme under grant agreement No 779257.

Mitochondrial Research Group, Newcastle University
Classification: Pathogenic for Mitochondrial disease. Last evaluated: 2017-05-22. Review status: no assertion criteria provided. Collection method: clinical testing. Allele origin: germline. Affected: yes. Observed: 1 variant allele. Not counted in ClinVar's aggregate classification.

GeneReviews
Classification: Pathogenic for Charcot-Marie-Tooth disease. Last evaluated: 2016-09-01. Review status: no assertion criteria provided. Collection method: literature only. Allele origin: germline. Affected: yes. Not counted in ClinVar's aggregate classification.

OMIM
Classification: Pathogenic for MITOCHONDRIAL COMPLEX V (ATP SYNTHASE) DEFICIENCY, MITOCHONDRIAL TYPE 1. Last evaluated: 2007-04-15. Review status: no assertion criteria provided. Collection method: literature only. Allele origin: germline. Not counted in ClinVar's aggregate classification.

GeneReviews
No classification provided. Condition: Leigh syndrome. Review status: no classification provided. Collection method: literature only. Allele origin: germline. Not counted in ClinVar's aggregate classification.

Genomics England Pilot Project, Genomics England
Classification: Likely pathogenic for Leber optic atrophy. Review status: no assertion criteria provided. Criteria: ACGS Guidelines, 2016. Collection method: clinical testing. Allele origin: germline. Affected: yes. Not counted in ClinVar's aggregate classification.

Literature cited by the submitters: PubMed 32042921 (cited by 3billion and Rady Children's Institute for Genomic Medicine, Rady Children's Hospital San Diego); PubMed 20546952 (cited by 3billion); PubMed 27290639 (cited by 3billion and Rady Children's Institute for Genomic Medicine, Rady Children's Hospital San Diego); PubMed 16217706 (cited by 3 submitters); PubMed 33717984 (cited by 3billion and Rady Children's Institute for Genomic Medicine, Rady Children's Hospital San Diego); PubMed 31500933 (cited by 3billion and Rady Children's Institute for Genomic Medicine, Rady Children's Hospital San Diego); PubMed 29116603 (cited by 3billion and Rady Children's Institute for Genomic Medicine, Rady Children's Hospital San Diego); PubMed 27783406 (cited by 3billion and Rady Children's Institute for Genomic Medicine, Rady Children's Hospital San Diego); PubMed 18461509 (cited by 3 submitters); PubMed 31187502 (cited by 3billion and Rady Children's Institute for Genomic Medicine, Rady Children's Hospital San Diego); PubMed 17352390 (cited by 3 submitters); PubMed 25548692 (cited by 3billion and Rady Children's Institute for Genomic Medicine, Rady Children's Hospital San Diego); PubMed 22577227 (cited by 3billion and Rady Children's Institute for Genomic Medicine, Rady Children's Hospital San Diego); PubMed 28429146 (cited by 3billion and Rady Children's Institute for Genomic Medicine, Rady Children's Hospital San Diego); PubMed 24153443 (cited by 3billion and Rady Children's Institute for Genomic Medicine, Rady Children's Hospital San Diego); PubMed 29228836 (cited by 3billion and Rady Children's Institute for Genomic Medicine, Rady Children's Hospital San Diego); PubMed 39825153 (cited by Solve-RD Consortium); PubMed 22933740 (cited by GeneReviews); NCBI Bookshelf NBK1173 (cited by GeneReviews).